The following is an entry in ClinVar:

NM_002432.3(MNDA):c.605C>G (p.Ala202Gly)

Gene: MNDA (myeloid cell nuclear differentiation antigen; plus strand). Cytogenetic location: 1q23.1.
Variant type: single nucleotide variant.
Coding change: c.605C>G on transcript NM_002432.3 (MANE Select); coding-DNA position 605, C replaced by G.
Protein change: p.Ala202Gly; replaces alanine 202 with glycine.
Molecular consequence: missense variant.
Genome position (GRCh38, 1-based): chr1:158,845,621, C>G. VCF-style: chr1-158845621-C-G. GRCh37 (hg19) VCF-style: chr1-158815411-C-G.
Other names: short protein forms A202G.
Identifiers: ClinVar variation 1751315 (VCV001751315.2), dbSNP rs146915405, ClinGen allele CA31305980.

ClinVar aggregate classification (germline): Uncertain significance (1 of 4 stars; one submission).

gnomAD v4.1: 16 of 1,613,074 alleles (0.00099%); highest among the groups gnomAD compares: Non-Finnish European, 0.0014%; no homozygotes.

Submission:

Ambry Genetics
Classification: Uncertain significance. Last evaluated: 2022-10-11. Review status: criteria provided, single submitter. Criteria: Ambry Variant Classification Scheme 2023. Collection method: clinical testing. Allele origin: germline.
Comment: The p.A202G variant (also known as c.605C>G), located in coding exon 4 of the MNDA gene, results from a C to G substitution at nucleotide position 605. The alanine at codon 202 is replaced by glycine, an amino acid with similar properties. This amino acid position is conserved. In addition, this alteration is predicted to be tolerated by in silico analysis. Since supporting evidence is limited at this time, the clinical significance of this alteration remains unclear.